The following is an entry in ClinVar:

NM_001111077.2(EZR):c.900C>T (p.Ile300=)

Gene: EZR (ezrin; minus strand). Cytogenetic location: 6q25.3.
Variant type: single nucleotide variant.
Coding change: c.900C>T on transcript NM_001111077.2 (MANE Select); coding-DNA position 900, C replaced by T.
Protein change: p.Ile300=; no amino-acid change (isoleucine 300 retained).
Molecular consequence: synonymous variant.
Genome position (GRCh38, 1-based): chr6:158,771,303, G>A on the plus strand (C>T on the coding strand, the complement: EZR is on the minus strand). VCF-style: chr6-158771303-G-A. GRCh37 (hg19) VCF-style: chr6-159192335-G-A.
Other names: c.900C>T, p.Ile300= (NM_003379.5).
Identifiers: ClinVar variation 2657093 (VCV002657093.24), dbSNP rs139648265, ClinGen allele CA4075185.

ClinVar aggregate classification (germline): Likely benign (1 of 4 stars; one submission).

Allele frequency attached by ClinVar (database versions not stated): ESP Exome Variant Server 0.00046.
gnomAD v4.1: 310 of 1,614,026 alleles (0.019%); highest among the groups gnomAD compares: Non-Finnish European, 0.024%; no homozygotes.

Submission:

CeGaT Center for Human Genetics Tuebingen
Classification: Likely benign. Last evaluated: 2022-04-01. Review status: criteria provided, single submitter. Criteria: CeGaT Center For Human Genetics Tuebingen Variant Classification Criteria Version 2. Collection method: clinical testing. Allele origin: germline. Affected: yes. Observed: 1 variant allele.
Comment: EZR: BP4, BP7